The following is an entry in ClinVar:

NM_144997.7(FLCN):c.886T>A (p.Ser296Thr)

Gene: FLCN (folliculin; minus strand). Cytogenetic location: 17p11.2.
Variant type: single nucleotide variant.
Coding change: c.886T>A on transcript NM_144997.7 (MANE Select); coding-DNA position 886, T replaced by A.
Protein change: p.Ser296Thr; replaces serine 296 with threonine.
Molecular consequence: missense variant.
Genome position (GRCh38, 1-based): chr17:17,219,195, A>T on the plus strand (T>A on the coding strand, the complement: FLCN is on the minus strand). VCF-style: chr17-17219195-A-T. GRCh37 (hg19) VCF-style: chr17-17122509-A-T.
Other names: c.940T>A, p.Ser314Thr (NM_001353229.2); c.886T>A, p.Ser296Thr (NM_001353230.2, NM_001353231.2); short protein forms S296T, S314T.
Identifiers: ClinVar variation 1470326 (VCV001470326.8), dbSNP rs2144898360, ClinGen allele CA398533085.

ClinVar aggregate classification (germline): Uncertain significance (1 of 4 stars; one submission).

Conditions:
Birt-Hogg-Dube syndrome. Also called: Birt Hogg Dubé syndrome. Identifiers: Orphanet 122, MedGen C0346010, MONDO:0800444.

Submission:

Labcorp Genetics (formerly Invitae), Labcorp
Classification: Uncertain significance for Birt-Hogg-Dube syndrome. Last evaluated: 2021-02-15. Review status: criteria provided, single submitter. Criteria: Invitae Variant Classification Sherloc (09022015). Collection method: clinical testing. Allele origin: germline.
Comment: In summary, the available evidence is currently insufficient to determine the role of this variant in disease. Therefore, it has been classified as a Variant of Uncertain Significance. Algorithms developed to predict the effect of missense changes on protein structure and function (SIFT, PolyPhen-2, Align-GVGD) all suggest that this variant is likely to be tolerated, but these predictions have not been confirmed by published functional studies and their clinical significance is uncertain. This variant has not been reported in the literature in individuals with FLCN-related conditions. This variant is not present in population databases (ExAC no frequency). This sequence change replaces serine with threonine at codon 296 of the FLCN protein (p.Ser296Thr). The serine residue is moderately conserved and there is a small physicochemical difference between serine and threonine.